The following is an entry in ClinVar:

NM_001364905.1(LRBA):c.4577G>A (p.Ser1526Asn)

Gene: LRBA (LPS responsive beige-like anchor protein; minus strand). Cytogenetic location: 4q31.3.
Variant type: single nucleotide variant.
Coding change: c.4577G>A on transcript NM_001364905.1 (MANE Select); coding-DNA position 4577, G replaced by A.
Protein change: p.Ser1526Asn; replaces serine 1526 with asparagine.
Molecular consequence: missense variant.
Genome position (GRCh38, 1-based): chr4:150,831,969, C>T on the plus strand (G>A on the coding strand, the complement: LRBA is on the minus strand). VCF-style: chr4-150831969-C-T. GRCh37 (hg19) VCF-style: chr4-151753121-C-T.
Other names: c.4577G>A, p.Ser1526Asn (NM_001199282.3, NM_001367550.1, NM_006726.5); short protein forms S1526N.
Identifiers: ClinVar variation 1059703 (VCV001059703.6), dbSNP rs757123998, ClinGen allele CA3102701.

ClinVar aggregate classification (germline): Uncertain significance. Review status: criteria provided, multiple submitters, no conflicts (2 of 4 stars). 2 submissions from 2 submitters: Uncertain significance (2). Last evaluated 2025-10-15.

Conditions:
Combined immunodeficiency due to LRBA deficiency. Also called: Common variable immunodeficiency 8, with autoimmunity. Identifiers: Orphanet 445018, MedGen C3553512, MONDO:0013863, OMIM 614700.
Inborn genetic diseases. Identifiers: MedGen C0950123, MeSH D030342.

Allele frequency attached by ClinVar (database versions not stated): gnomAD exomes 0.00009 and 0.00003; ExAC 0.00002; gnomAD 0.00003 and 0.00004; TOPMed 0.00003.
gnomAD v4.1: 119 of 1,502,646 alleles (0.0079%); highest among the groups gnomAD compares: Non-Finnish European, 0.01%; no homozygotes.

Submissions (2):

Ambry Genetics
Classification: Uncertain significance for Inborn genetic diseases. Last evaluated: 2025-10-15. Review status: criteria provided, single submitter. Criteria: Ambry Variant Classification Scheme 2023. Collection method: clinical testing. Allele origin: germline.

Labcorp Genetics (formerly Invitae), Labcorp
Classification: Uncertain significance for Combined immunodeficiency due to LRBA deficiency. Last evaluated: 2022-08-15. Review status: criteria provided, single submitter. Criteria: Invitae Variant Classification Sherloc (09022015). Collection method: clinical testing. Allele origin: germline.
Comment: In summary, the available evidence is currently insufficient to determine the role of this variant in disease. Therefore, it has been classified as a Variant of Uncertain Significance. Algorithms developed to predict the effect of missense changes on protein structure and function are either unavailable or do not agree on the potential impact of this missense change (SIFT: "Tolerated"; PolyPhen-2: "Probably Damaging"; Align-GVGD: "Class C0"). ClinVar contains an entry for this variant (Variation ID: 1059703). This variant has not been reported in the literature in individuals affected with LRBA-related conditions. This variant is present in population databases (rs757123998, gnomAD 0.005%). This sequence change replaces serine, which is neutral and polar, with asparagine, which is neutral and polar, at codon 1526 of the LRBA protein (p.Ser1526Asn).